The following is an entry in ClinVar:

NM_000098.3(CPT2):c.554C>G (p.Thr185Ser)

Gene: CPT2 (carnitine palmitoyltransferase 2; plus strand). Cytogenetic location: 1p32.3.
Variant type: single nucleotide variant.
Coding change: c.554C>G on transcript NM_000098.3 (MANE Select); coding-DNA position 554, C replaced by G.
Protein change: p.Thr185Ser; replaces threonine 185 with serine.
Molecular consequence: missense variant.
Genome position (GRCh38, 1-based): chr1:53,210,228, C>G. VCF-style: chr1-53210228-C-G. GRCh37 (hg19) VCF-style: chr1-53675900-C-G.
Other names: c.554C>G, p.Thr185Ser (NM_001330589.2); short protein forms T185S.
Identifiers: ClinVar variation 849570 (VCV000849570.8), dbSNP rs1645413073, ClinGen allele CA340392640.

ClinVar aggregate classification (germline): Uncertain significance (1 of 4 stars; one submission).

Conditions:
Carnitine palmitoyltransferase II deficiency. Also called: Carnitine Palmitoyltransferase 2 Deficiency. Identifiers: Orphanet 157, MedGen C0342790, MONDO:0015515.

Submission:

Labcorp Genetics (formerly Invitae), Labcorp
Classification: Uncertain significance for Carnitine palmitoyltransferase II deficiency. Last evaluated: 2020-02-27. Review status: criteria provided, single submitter. Criteria: Invitae Variant Classification Sherloc (09022015). Collection method: clinical testing. Allele origin: germline.
Comment: In summary, the available evidence is currently insufficient to determine the role of this variant in disease. Therefore, it has been classified as a Variant of Uncertain Significance. This sequence change replaces threonine with serine at codon 185 of the CPT2 protein (p.Thr185Ser). The threonine residue is highly conserved and there is a small physicochemical difference between threonine and serine. This variant is not present in population databases (ExAC no frequency). This variant has not been reported in the literature in individuals with CPT2-related conditions. Algorithms developed to predict the effect of missense changes on protein structure and function (SIFT, PolyPhen-2, Align-GVGD) all suggest that this variant is likely to be tolerated, but these predictions have not been confirmed by published functional studies and their clinical significance is uncertain.